The following is an entry in ClinVar:

NM_015426.5(POC1A):c.729C>G (p.Tyr243Ter)

Gene: POC1A (POC1 centriolar protein A; minus strand). Cytogenetic location: 3p21.2.
Variant type: single nucleotide variant.
Coding change: c.729C>G on transcript NM_015426.5 (MANE Select); coding-DNA position 729, C replaced by G.
Protein change: p.Tyr243Ter; replaces tyrosine 243 with a stop codon.
Molecular consequence: nonsense.
Genome position (GRCh38, 1-based): chr3:52,138,253, G>C on the plus strand (C>G on the coding strand, the complement: POC1A is on the minus strand). VCF-style: chr3-52138253-G-C. GRCh37 (hg19) VCF-style: chr3-52172269-G-C.
Other names: c.729C>G, p.Tyr243Ter (NM_001161580.2); c.615C>G, p.Tyr205Ter (NM_001161581.2); short protein forms Y205*, Y243*.
Identifiers: ClinVar variation 2708843 (VCV002708843.4), dbSNP rs1203995886, ClinGen allele CA353042381.

ClinVar aggregate classification (germline): Pathogenic/Likely pathogenic. Review status: criteria provided, multiple submitters, no conflicts (2 of 4 stars). 2 submissions from 2 submitters: Pathogenic (1); Likely pathogenic (1). Last evaluated 2024-01-31.

Conditions:
Short stature-onychodysplasia-facial dysmorphism-hypotrichosis syndrome. Also called: SOFT SYNDROME; Short stature, onychodysplasia, facial dysmorphism, and hypotrichosis. Identifiers: Orphanet 314394, MedGen C3542022, MONDO:0013894, OMIM 614813.

Submissions (2):

Fulgent Genetics
Classification: Likely pathogenic for Short stature-onychodysplasia-facial dysmorphism-hypotrichosis syndrome. Last evaluated: 2024-01-31. Review status: criteria provided, single submitter. Criteria: ACMG Guidelines, 2015. Collection method: clinical testing. Allele origin: germline.

Labcorp Genetics (formerly Invitae), Labcorp
Classification: Pathogenic. Last evaluated: 2023-06-22. Review status: criteria provided, single submitter. Criteria: Invitae Variant Classification Sherloc (09022015). Collection method: clinical testing. Allele origin: germline.
Comment: This variant has not been reported in the literature in individuals affected with POC1A-related conditions. This variant is not present in population databases (gnomAD no frequency). This sequence change creates a premature translational stop signal (p.Tyr243*) in the POC1A gene. It is expected to result in an absent or disrupted protein product. Loss-of-function variants in POC1A are known to be pathogenic (PMID: 22840364, 26336158, 26374189). For these reasons, this variant has been classified as Pathogenic.

Literature cited by the submitters: PubMed 22840364 (cited by Labcorp Genetics (formerly Invitae), Labcorp); PubMed 26336158 (cited by Labcorp Genetics (formerly Invitae), Labcorp); PubMed 26374189 (cited by Labcorp Genetics (formerly Invitae), Labcorp).